The following continues an entry in ClinVar:

NM_001018005.2(TPM1):c.842T>C (p.Met281Thr)

Gene: TPM1. ClinVar aggregate classification (germline): Uncertain significance. Uncertain significance (1).

Submissions 9 to 20 of 20:

Institute of Human Genetics Munich, TUM University Hospital
Classification: Pathogenic for Hypertrophic cardiomyopathy 3. Last evaluated: 2024-04-29. Review status: criteria provided, single submitter. Criteria: Classification criteria August 2017. Collection method: clinical testing. Allele origin: germline. Inheritance: Autosomal dominant inheritance. Affected: yes. Observed: 1 variant allele. Not counted in ClinVar's aggregate classification.

Blueprint Genetics
Classification: Likely pathogenic for TPM1-related disorders. Last evaluated: 2024-02-13. Review status: criteria provided, single submitter. Criteria: ACMG Guidelines, 2015. Collection method: clinical testing. Allele origin: germline. Affected: yes. Observed: 1 variant allele. Not counted in ClinVar's aggregate classification.

All of Us Research Program, National Institutes of Health
Classification: Likely pathogenic for Hypertrophic cardiomyopathy. Last evaluated: 2024-01-22. Review status: criteria provided, single submitter. Criteria: ACMG Guidelines, 2015. Collection method: clinical testing. Allele origin: germline. Inheritance: Autosomal dominant inheritance. Observed: 1 variant allele, 1 heterozygote. Not counted in ClinVar's aggregate classification.
Comment: This missense variant replaces methionine with threonine at codon 281 in the alternate splicing region of the TPM1 protein. Computational prediction tools indicate that this variant has a deleterious impact on protein structure and function. In-vitro functional studies using isolated protein have shown that this variant causes an increased sensitivity to calcium, increased thermal stability, altered myosin interaction with thin filament (PMID: 25548289, 36555368). Additionally, functional studies using patient-derived tissue samples have shown that this variant causes loss of sarcomere striations and loss of intact cardiac muscle fibers as well as increased calcium sensitivity (PMID: 23508784, 32882290). This variant has been reported in over 15 individuals affected with hypertrophic cardiomyopathy (PMID: 12860912, 18533079, 22112859, 24793961, 25524337, 23508784, 27532257, 30847666, 31308319, 33495596, 33495597) and in one individual affected with restrictive cardiomyopathy (PMID: 32882290). This variant has been identified in 1/250772 chromosomes in the general population by the Genome Aggregation Database (gnomAD). Based on the available evidence, this variant is classified as Likely Pathogenic.

This study involves interpretation of variants in research participants for the purpose of population health screening. Participant phenotype was not available at the time of variant classification. Additional details can be found in publication PMID: 35346344, PMCID: PMC8962531

Color Diagnostics, LLC DBA Color Health
Classification: Likely pathogenic for Cardiomyopathy. Last evaluated: 2024-01-03. Review status: criteria provided, single submitter. Criteria: ACMG Guidelines, 2015. Collection method: clinical testing. Allele origin: germline. Not counted in ClinVar's aggregate classification.
Comment: This missense variant replaces methionine with threonine at codon 281 in the alternate splicing region of the TPM1 protein. Computational prediction tools indicate that this variant has a deleterious impact on protein structure and function. In-vitro functional studies using isolated protein have shown that this variant causes an increased sensitivity to calcium, increased thermal stability, altered myosin interaction with thin filament (PMID: 25548289, 36555368). Additionally, functional studies using patient-derived tissue samples have shown that this variant causes loss of sarcomere striations and loss of intact cardiac muscle fibers as well as increased calcium sensitivity (PMID: 23508784, 32882290). This variant has been reported in over 15 individuals affected with hypertrophic cardiomyopathy (PMID: 12860912, 18533079, 22112859, 24793961, 25524337, 23508784, 27532257, 30847666, 31308319, 33495596, 33495597) and in one individual affected with restrictive cardiomyopathy (PMID: 32882290). This variant has been identified in 1/250772 chromosomes in the general population by the Genome Aggregation Database (gnomAD). Based on the available evidence, this variant is classified as Likely Pathogenic.

Molecular Diagnostic Laboratory for Inherited Cardiovascular Disease, Montreal Heart Institute
Classification: Pathogenic for Cardiovascular phenotype. Last evaluated: 2023-12-22. Review status: criteria provided, single submitter. Criteria: ACMG Guidelines, 2015. Collection method: clinical testing. Allele origin: germline. Affected: yes. Not counted in ClinVar's aggregate classification.
Comment: PS4, PS3_mod, PM2, PM5_supp, PP1, PP2, PP3, PP5

Mayo Clinic Laboratories, Mayo Clinic
Classification: Likely pathogenic. Last evaluated: 2023-06-02. Review status: criteria provided, single submitter. Criteria: ACMG Guidelines, 2015. Collection method: clinical testing. Allele origin: germline. Observed: 1 variant allele. Not counted in ClinVar's aggregate classification.
Comment: PP2, PP3, PS3, PS4_moderate

Laboratory for Molecular Medicine, Mass General Brigham Personalized Medicine
Classification: Likely pathogenic for Hypertrophic cardiomyopathy. Last evaluated: 2022-10-04. Review status: criteria provided, single submitter. Criteria: ACMG Guidelines, 2015. Collection method: clinical testing. Allele origin: germline. Inheritance: Autosomal dominant inheritance. Not counted in ClinVar's aggregate classification.
Comment: The p.Met281Thr variant in TPM1 has been reported in at least 13 individuals with hypertrophic cardiomyopathy (HCM) and segregated with disease in 3 affected relatives from 3 families (Van Driest 2003 PMID: 12860912, Olivotto 2008 PMID: 18533079, Otsuka 2012 PMID: 22112859, Sequeira 2013 PMID: 23508784, Coppini 2014 PMID:255224337, Tran Vu 2019 PMID: 31308319, LMM data). It has also been reported in 1 individual with DCM and in the compound heterozygous state with another TPM1 variant in 1 individual with RCM (Dorsch 2021 PMID: 32882290, Nguyen 2021 PMID: 34011823). This variant has also been reported in by other clinical laboratories in ClinVar (Variation ID 31885) and has been identified in 0.0008% (1/113468) of European chromosomes by gnomAD. In vitro functional studies provide some evidence that the p.Met281Thr variant may impact protein function (Sequeira 2013 PMID: 23508784, Gupte 2015 PMID: 25548289, Dorsch 2021 PMID: 32882290). However, these types of assays may not accurately represent biological function. Computational prediction tools and conservation analyses suggest that this variant may impact the protein. In summary, although additional studies are required to fully establish its clinical significance, this variant meets criteria to be classified as likely pathogenic for autosomal dominant HCM. ACMG/AMP Criteria applied: PS4_Moderate, PM2_Supporting, PP1, PP3, PS3_Supporting.

CHEO Genetics Diagnostic Laboratory, Children's Hospital of Eastern Ontario
Classification: Likely pathogenic for Cardiomyopathy. Last evaluated: 2021-09-13. Review status: criteria provided, single submitter. Criteria: ACMG Guidelines, 2015. Collection method: clinical testing. Allele origin: germline. Not counted in ClinVar's aggregate classification.

KTest Genetics, KTest
Classification: Likely pathogenic for Dilated cardiomyopathy 1Y. Review status: criteria provided, single submitter. Criteria: ACMG Guidelines, 2015. Collection method: clinical testing. Allele origin: germline. Affected: yes. Not counted in ClinVar's aggregate classification.

Leiden Muscular Dystrophy (TPM1)
No classification provided. Last evaluated: 2012-04-15. Review status: no classification provided. Collection method: curation. Allele origin: germline. Not counted in ClinVar's aggregate classification.

Clinical Genetics, Academic Medical Center
Classification: Pathogenic. Review status: no assertion criteria provided. Collection method: clinical testing. Allele origin: germline. Affected: yes. Study: VKGL Data-share Consensus. Not counted in ClinVar's aggregate classification.

Joint Genome Diagnostic Labs from Nijmegen and Maastricht, Radboudumc and MUMC+
Classification: Pathogenic. Review status: no assertion criteria provided. Collection method: clinical testing. Allele origin: germline. Affected: yes. Study: VKGL Data-share Consensus. Not counted in ClinVar's aggregate classification.

Literature cited by the submitters: PubMed 12860912 (cited by 7 submitters); PubMed 18533079 (cited by 5 submitters); PubMed 20965760 (cited by Labcorp Genetics (formerly Invitae), Labcorp); PubMed 21835320 (cited by Labcorp Genetics (formerly Invitae), Labcorp); PubMed 22112859 (cited by 6 submitters); PubMed 25524337 (cited by 5 submitters); PubMed 27532257 (cited by 5 submitters); PubMed 25548289 (cited by 6 submitters); PubMed 23508784 (cited by 4 submitters); PubMed 32882290 (cited by 6 submitters); PubMed 31308319 (cited by 5 submitters); PubMed 32731933 (cited by Victorian Clinical Genetics Services, Murdoch Childrens Research Institute); PubMed 33642254 (cited by Victorian Clinical Genetics Services, Murdoch Childrens Research Institute); PubMed 31270709 (cited by Victorian Clinical Genetics Services, Murdoch Childrens Research Institute); PubMed 24793961 (cited by All of Us Research Program, National Institutes of Health and Color Diagnostics, LLC DBA Color Health); PubMed 30847666 (cited by 3 submitters); PubMed 33495596 (cited by All of Us Research Program, National Institutes of Health and Color Diagnostics, LLC DBA Color Health); PubMed 33495597 (cited by All of Us Research Program, National Institutes of Health and Color Diagnostics, LLC DBA Color Health); PubMed 36555368 (cited by All of Us Research Program, National Institutes of Health and Color Diagnostics, LLC DBA Color Health); PubMed 34011823 (cited by Mayo Clinic Laboratories, Mayo Clinic and Laboratory for Molecular Medicine, Mass General Brigham Personalized Medicine); PubMed 35626289 (cited by Mayo Clinic Laboratories, Mayo Clinic).